The following is an entry in ClinVar:

NM_001433705.1(NLRP5):c.1402T>C (p.Cys468Arg)

Gene: NLRP5 (NLR family pyrin domain containing 5; plus strand). Cytogenetic location: 19q13.43.
Variant type: single nucleotide variant.
Coding change: c.1402T>C on transcript NM_001433705.1 (MANE Select); coding-DNA position 1402, T replaced by C.
Protein change: p.Cys468Arg; replaces cysteine 468 with arginine.
Molecular consequence: missense variant.
Genome position (GRCh38, 1-based): chr19:56,027,788, T>C. VCF-style: chr19-56027788-T-C. GRCh37 (hg19) VCF-style: chr19-56539154-T-C.
Other names: NM_153447.4:c.1555T>C; short protein forms C468R.
Identifiers: ClinVar variation 3034611 (VCV003034611.2), dbSNP rs200560950, ClinGen allele CA9685601.
Genomic context (GRCh38, chr19:56,027,788, plus strand): 5'-ACAGGCCTGCACGCCGCTTTTGTGTTTCATCAGCTCACCCCTCGAGGCGTGGTCCGGCGC[T>C]GTCTCAATCTGGAGGAAAGAGTTGTCCTGAAGCGCTTCTGCCGTATGGCTGTGGAGGGAG-3'
Protein context (NP_001420634.1, residues 458-478): QLTPRGVVRR[Cys468Arg]LNLEERVVLK

ClinVar aggregate classification (germline): Likely benign (0 of 4 stars; one submission).

Conditions:
NLRP5-related disorder. Also called: NLRP5-related condition.

Allele frequency attached by ClinVar (database versions not stated): gnomAD exomes 0.00008; gnomAD 0.00088; TOPMed 0.00128; 1000 Genomes Project 30x 0.00156; ExAC 0.00024; ESP Exome Variant Server 0.00079; 1000 Genomes Project 0.00140.
gnomAD v4.1: 260 of 1,613,998 alleles (0.016%); highest among the groups gnomAD compares: African/African-American, 0.21%; 2 homozygotes.

Submission:

PreventionGenetics, part of Exact Sciences
Classification: Likely benign for NLRP5-related condition. Last evaluated: 2022-06-01. Review status: no assertion criteria provided. Collection method: clinical testing. Allele origin: germline.
Comment: This variant is classified as likely benign based on ACMG/AMP sequence variant interpretation guidelines (Richards et al. 2015 PMID: 25741868, with internal and published modifications).